The following is an entry in ClinVar:

NM_006361.6(HOXB13):c.777G>C (p.Gln259His)

Gene: HOXB13 (homeobox B13; minus strand). Cytogenetic location: 17q21.32.
Variant type: single nucleotide variant.
Coding change: c.777G>C on transcript NM_006361.6 (MANE Select); coding-DNA position 777, G replaced by C.
Protein change: p.Gln259His; replaces glutamine 259 with histidine.
Molecular consequence: missense variant.
Genome position (GRCh38, 1-based): chr17:48,726,868, C>G on the plus strand (G>C on the coding strand, the complement: HOXB13 is on the minus strand). VCF-style: chr17-48726868-C-G. GRCh37 (hg19) VCF-style: chr17-46804230-C-G.
Other names: short protein forms Q259H.
Identifiers: ClinVar variation 2625787 (VCV002625787.2), dbSNP rs2509512893, ClinGen allele CA400105821.

ClinVar aggregate classification (germline): Uncertain significance (1 of 4 stars; one submission).

Conditions:
Hereditary cancer-predisposing syndrome. Also called: Tumor predisposition; Hereditary Cancer Syndrome; Hereditary neoplastic syndrome; Neoplastic Syndromes, Hereditary. Identifiers: Orphanet 140162, MedGen C0027672, MeSH D009386, MONDO:0015356.

Submission:

Ambry Genetics
Classification: Uncertain significance for Hereditary cancer-predisposing syndrome. Last evaluated: 2023-09-13. Review status: criteria provided, single submitter. Criteria: Ambry Variant Classification Scheme 2023. Collection method: clinical testing. Allele origin: germline.
Comment: The p.Q259H variant (also known as c.777G>C), located in coding exon 2 of the HOXB13 gene, results from a G to C substitution at nucleotide position 777. The glutamine at codon 259 is replaced by histidine, an amino acid with highly similar properties. This amino acid position is conserved. In addition, this alteration is predicted to be deleterious by in silico analysis. Since supporting evidence is limited at this time, the clinical significance of this alteration remains unclear.